The following is an entry in ClinVar:

NM_007078.3(LDB3):c.1457dup (p.Ser486fs)

Gene: LDB3 (LIM domain binding 3; plus strand). Cytogenetic location: 10q23.2.
Variant type: Duplication.
Coding change: c.1457dup on transcript NM_007078.3 (MANE Select); coding-DNA position 1457, one base duplicated (G; older notation c.1457dupG).
Protein change: p.Ser486fs; shifts the reading frame from serine 486.
Molecular consequence: frameshift variant.
Genome position (GRCh38, 1-based): chr10:86,716,552, G duplicated. VCF-style (leftmost placement, unchanged base first): chr10-86716551-A-AG. GRCh37 (hg19) VCF-style: chr10-88476308-A-AG.
Other names: c.1127dup, p.Ser376fs (NM_001080114.2); c.1472dup, p.Ser491fs (NM_001171610.2); c.1268dup, p.Ser423fs (NM_001368064.1, NM_001368065.1); c.1316dup, p.Ser439fs (NM_001368066.1); short protein forms S439fs, S491fs, S376fs, S423fs, S486fs.
Identifiers: ClinVar variation 972383 (VCV000972383.8), dbSNP rs1846883652, ClinGen allele CA1139661540.

ClinVar aggregate classification (germline): Pathogenic (1 of 4 stars; one submission).

Conditions:
Myofibrillar myopathy 4. Also called: Zaspopathy (type). Identifiers: Orphanet 98912, MedGen C4721886, MONDO:0012277, OMIM 609452.

Submission:

Labcorp Genetics (formerly Invitae), Labcorp
Classification: Pathogenic for Myofibrillar myopathy 4. Last evaluated: 2024-04-17. Review status: criteria provided, single submitter. Criteria: Invitae Variant Classification Sherloc (09022015). Collection method: clinical testing. Allele origin: germline.
Comment: The LDB3 gene has multiple clinically relevant transcripts. This variant occurs in alternate transcript NM_007078.3, and corresponds to NM_001080116.1:c.*17178_*17179insG in the primary transcript. This sequence change creates a premature translational stop signal (p.Ser486Argfs*9) in the LDB3 gene. It is expected to result in an absent or disrupted protein product. Loss-of-function variants in LDB3 are known to be pathogenic (PMID: 36253531). This variant is not present in population databases (gnomAD no frequency). This variant has not been reported in the literature in individuals affected with LDB3-related conditions. For these reasons, this variant has been classified as Pathogenic.

Literature cited by the submitters: PubMed 36253531.